The following is an entry in ClinVar:

NM_033305.3(VPS13A):c.5415+1G>C

Gene: VPS13A (vacuolar protein sorting 13 homolog A; plus strand). Cytogenetic location: 9q21.2.
Variant type: single nucleotide variant.
Coding change: c.5415+1G>C on transcript NM_033305.3 (MANE Select); the canonical splice donor site of the intron after coding-DNA position 5415, G replaced by C.
Molecular consequence: splice donor variant.
Genome position (GRCh38, 1-based): chr9:77,319,674, G>C. VCF-style: chr9-77319674-G-C. GRCh37 (hg19) VCF-style: chr9-79934590-G-C.
Other names: c.5298+1G>C (NM_001018037.2); c.5415+1G>C (NM_015186.4, NM_001018038.3).
Identifiers: ClinVar variation 2091061 (VCV002091061.4), dbSNP rs2538001838, ClinGen allele CA373861567.
Genomic context (GRCh38, chr9:77,319,674, plus strand): 5'-CTTGAACCCTTAGAAATTGATCAGACTGAGGATTTTAGACCATGGAATCTTGGTATCAAG[G>C]TATATCTATATATGTCTATGTGTGTATATATATATATATGTATTTTAAAAGACTTTATTT-3'

ClinVar aggregate classification (germline): Likely pathogenic (1 of 4 stars; one submission).

Submission:

Labcorp Genetics (formerly Invitae), Labcorp
Classification: Likely pathogenic. Last evaluated: 2022-01-28. Review status: criteria provided, single submitter. Criteria: Invitae Variant Classification Sherloc (09022015). Collection method: clinical testing. Allele origin: germline.
Comment: Algorithms developed to predict the effect of sequence changes on RNA splicing suggest that this variant may disrupt the consensus splice site. This variant has not been reported in the literature in individuals affected with VPS13A-related conditions. This variant is not present in population databases (gnomAD no frequency). This sequence change affects a donor splice site in intron 42 of the VPS13A gene. It is expected to disrupt RNA splicing. Variants that disrupt the donor or acceptor splice site typically lead to a loss of protein function (PMID: 16199547), and loss-of-function variants in VPS13A are known to be pathogenic (PMID: 12404112, 21598378). In summary, the currently available evidence indicates that the variant is pathogenic, but additional data are needed to prove that conclusively. Therefore, this variant has been classified as Likely Pathogenic.

Literature cited by the submitters: PubMed 16199547; PubMed 12404112; PubMed 21598378.